The following is an entry in ClinVar:

NM_005475.3(SH2B3):c.1655A>G (p.Asp552Gly)

Gene: SH2B3 (SH2B adaptor protein 3; plus strand). Cytogenetic location: 12q24.12.
Variant type: single nucleotide variant.
Coding change: c.1655A>G on transcript NM_005475.3 (MANE Select); coding-DNA position 1655, A replaced by G.
Protein change: p.Asp552Gly; replaces aspartic acid 552 with glycine.
Molecular consequence: missense variant.
Genome position (GRCh38, 1-based): chr12:111,448,229, A>G. VCF-style: chr12-111448229-A-G. GRCh37 (hg19) VCF-style: chr12-111886033-A-G.
Other names: c.1049A>G, p.Asp350Gly (NM_001291424.1); short protein forms D552G, D350G.
Identifiers: ClinVar variation 3794988 (VCV003794988.1).

ClinVar aggregate classification (germline): Uncertain significance (1 of 4 stars; one submission).

Conditions:
Inborn genetic diseases. Identifiers: MedGen C0950123, MeSH D030342.

gnomAD v4.1: 4 of 1,614,044 alleles (0.00025%); highest among the groups gnomAD compares: Non-Finnish European, 0.00034%; no homozygotes.

Submission:

Ambry Genetics
Classification: Uncertain significance for Inborn genetic diseases. Last evaluated: 2024-12-12. Review status: criteria provided, single submitter. Criteria: Ambry Variant Classification Scheme 2023. Collection method: clinical testing. Allele origin: germline.
Comment: The p.D552G variant (also known as c.1655A>G), located in coding exon 7 of the SH2B3 gene, results from an A to G substitution at nucleotide position 1655. The aspartic acid at codon 552 is replaced by glycine, an amino acid with similar properties. This amino acid position is conserved. In addition, this alteration is predicted to be deleterious by in silico analysis. Based on the available evidence, the clinical significance of this variant remains unclear.